The following is an entry in ClinVar:

NM_152564.5(VPS13B):c.9328G>T (p.Glu3110Ter)

Gene: VPS13B (vacuolar protein sorting 13 homolog B; plus strand). Cytogenetic location: 8q22.2.
Variant type: single nucleotide variant.
Coding change: c.9328G>T on transcript NM_152564.5 (MANE Select); coding-DNA position 9328, G replaced by T.
Protein change: p.Glu3110Ter; replaces glutamic acid 3110 with a stop codon.
Molecular consequence: nonsense.
Genome position (GRCh38, 1-based): chr8:99,823,976, G>T. VCF-style: chr8-99823976-G-T. GRCh37 (hg19) VCF-style: chr8-100836204-G-T.
Other names: c.9403G>T, p.Glu3135Ter (NM_017890.5); short protein forms E3135*, E3110*.
Identifiers: ClinVar variation 2029600 (VCV002029600.4), dbSNP rs1814523509, ClinGen allele CA371780557.
Genomic context (GRCh38, chr8:99,823,976, plus strand): 5'-ACACCATATCAAATATTTTATAAACCACAGCTATCTGTCTGCAATCCCCATTCTGGAAAG[G>T]AGGTAAGCAAATCATAACGATTCTTTTGTCTAAGTTTTGATAAAGAAACAATAAATAGGA-3'

ClinVar aggregate classification (germline): Pathogenic (1 of 4 stars; one submission).

Conditions:
Cohen syndrome (COH1). Also called: PEPPER SYNDROME; Cutis verticis gyrata, retinitis pigmentosa, and sensorineural deafness. Identifiers: Orphanet 193, MedGen C0265223, MONDO:0008999, OMIM 216550.

Allele frequency attached by ClinVar (database versions not stated): gnomAD exomes below 0.00001; gnomAD 0.00001.
gnomAD v4.1: 3 of 1,611,776 alleles (0.00019%); highest among the groups gnomAD compares: African/African-American, 0.004%; no homozygotes.

Submission:

Labcorp Genetics (formerly Invitae), Labcorp
Classification: Pathogenic for Cohen syndrome. Last evaluated: 2023-09-29. Review status: criteria provided, single submitter. Criteria: Invitae Variant Classification Sherloc (09022015). Collection method: clinical testing. Allele origin: germline.
Comment: For these reasons, this variant has been classified as Pathogenic. Algorithms developed to predict the effect of sequence changes on RNA splicing suggest that this variant may disrupt the consensus splice site. This sequence change creates a premature translational stop signal (p.Glu3135*) in the VPS13B gene. It is expected to result in an absent or disrupted protein product. Loss-of-function variants in VPS13B are known to be pathogenic (PMID: 15141358, 16648375, 20461111). This variant is not present in population databases (gnomAD no frequency). This variant has not been reported in the literature in individuals affected with VPS13B-related conditions. ClinVar contains an entry for this variant (Variation ID: 2029600).

Literature cited by the submitters: PubMed 15141358; PubMed 16648375; PubMed 20461111.